The following is an entry in ClinVar:

NM_004959.5(NR5A1):c.871-4_871-1del

Gene: NR5A1 (nuclear receptor subfamily 5 group A member 1; minus strand). Cytogenetic location: 9q33.3.
Variant type: Deletion.
Coding change: c.871-4_871-1del on transcript NM_004959.5 (MANE Select); 4 bases into the intron before coding-DNA position 871 through the canonical splice acceptor site of the intron before coding-DNA position 871, 4 bases deleted (CCAG; older notation c.871-4_871-1delCCAG).
Molecular consequence: splice acceptor variant.
Genome position (GRCh38, 1-based): chr9:124,493,150-124,493,153, CTGG deleted on the plus strand (CCAG on the coding strand, the reverse complement: NR5A1 is on the minus strand). VCF-style (leftmost placement, unchanged base first): chr9-124493149-CCTGG-C. GRCh37 (hg19) VCF-style: chr9-127255428-CCTGG-C.
Identifiers: ClinVar variation 2118974 (VCV002118974.4), dbSNP rs2538676475, ClinGen allele CA2580079526.

ClinVar aggregate classification (germline): Likely pathogenic (1 of 4 stars; one submission).

Conditions:
46 XY differences of sex development. Also called: 46, XY disorder of sex development (DSD); 46,XY disorder of sex development. Identifiers: Orphanet 98085, MedGen C2751824, MONDO:0020040.
Oligosynaptic infertility (SPGF1). Also called: SPERMATOGENIC FAILURE 1; OLIGOCHIASMATIC INFERTILITY. Identifiers: MedGen C0403810, MONDO:0009776, OMIM 258150.

Submission:

Labcorp Genetics (formerly Invitae), Labcorp
Classification: Likely pathogenic for 46 XY differences of sex development; Oligosynaptic infertility. Last evaluated: 2023-08-04. Review status: criteria provided, single submitter. Criteria: Invitae Variant Classification Sherloc (09022015). Collection method: clinical testing. Allele origin: germline.
Comment: In summary, the currently available evidence indicates that the variant is pathogenic, but additional data are needed to prove that conclusively. Therefore, this variant has been classified as Likely Pathogenic. Algorithms developed to predict the effect of sequence changes on RNA splicing suggest that this variant may disrupt the consensus splice site. ClinVar contains an entry for this variant (Variation ID: 2118974). This variant has not been reported in the literature in individuals affected with NR5A1-related conditions. This variant is not present in population databases (gnomAD no frequency). This sequence change affects a splice site in intron 4 of the NR5A1 gene. It is expected to disrupt RNA splicing. Variants that disrupt the donor or acceptor splice site typically lead to a loss of protein function (PMID: 16199547), and loss-of-function variants in NR5A1 are known to be pathogenic (PMID: 10369247, 12907682, 19246354).

Literature cited by the submitters: PubMed 16199547; PubMed 10369247; PubMed 12907682; PubMed 19246354.